The following is an entry in ClinVar:

ClinVar aggregate classification (germline): Uncertain significance (1 of 4 stars; one submission).

Submission:

GeneDx
Classification: Uncertain significance. Last evaluated: 2025-02-24. Review status: criteria provided, single submitter. Criteria: GeneDx Variant Classification Process June 2021. Collection method: clinical testing. Allele origin: germline. Affected: yes.
Comment: Not observed at significant frequency in large population cohorts (gnomAD); Frameshift variant predicted to result in abnormal protein length as the last 405 amino acids are replaced with 21 different amino acids; Has not been previously published as pathogenic or benign to our knowledge

NM_152424.4(AMER1):c.2191dup (p.Asp731fs)

Gene: AMER1 (APC membrane recruitment protein 1; minus strand). Cytogenetic location: Xq11.2.
Variant type: Duplication.
Coding change: c.2191dup on transcript NM_152424.4 (MANE Select); coding-DNA position 2191, one base duplicated (G; older notation c.2191dupG).
Protein change: p.Asp731fs; shifts the reading frame from aspartic acid 731.
Molecular consequence: frameshift variant.
Genome position (GRCh38, 1-based): chrX:64,191,096, C duplicated on the plus strand (G on the coding strand, the reverse complement: AMER1 is on the minus strand). VCF-style (leftmost placement, unchanged base first): chrX-64191095-T-TC. GRCh37 (hg19) VCF-style: chrX-63410975-T-TC.
Other names: short protein forms D731fs.
Identifiers: ClinVar variation 4076541 (VCV004076541.1).
Genomic context (GRCh38, chrX:64,191,095, plus strand): 5'-GGGGGTGAATAAGTAGGGTAGGCCCTCCTGGGAGATCCTCCAAAATTTGCTTCTTGCATG[T>TC]CTGGCTCAAACATGGCATCACTCTGGAAGAGCTGCATCAGGCAGGTACTTTGATCTTTCT-3'